The following is an entry in ClinVar:

NC_012920.1(MT-CYB):m.15488G>A

Gene: MT-CYB (mitochondrially encoded cytochrome b; plus strand).
Variant type: single nucleotide variant.
Genome position: chrM-15488-G-A.
Identifiers: ClinVar variation 693892 (VCV000693892.1), dbSNP rs1603225310, ClinGen allele CA913174007.

ClinVar aggregate classification (germline): Uncertain significance (1 of 4 stars; one submission).

Conditions:
Leigh syndrome (NULS). Also called: Leigh's necrotizing encephalopathy; Leigh's disease; Leigh's syndrome; LEIGH SYNDROME, NUCLEAR; Leigh Syndrome (mtDNA deletion); Leigh Disease. Identifiers: Orphanet 506, MedGen C2931891, MONDO:0009723, OMIM 256000.

Submission:

Wong Mito Lab, Molecular and Human Genetics, Baylor College of Medicine
Classification: Uncertain significance for Leigh syndrome. Last evaluated: 2019-10-17. Review status: criteria provided, single submitter. Criteria: Modified ACMG Guidelines (Unpublished). Collection method: clinical testing. Allele origin: germline.
Comment: The NC_012920.1:m.15488G>A (YP_003024038.1:p.Asp248Asn) variant in MTCYB gene is interpretated to be a Uncertain Significance variant based on the modified ACMG guidelines (unpublished). This variant meets the following evidence codes: BP5